The following is an entry in ClinVar:

ClinVar aggregate classification (germline): Uncertain significance (1 of 4 stars; one submission).

Conditions:
Cardiovascular phenotype. Identifiers: MedGen CN230736.

Allele frequency attached by ClinVar (database versions not stated): gnomAD exomes below 0.00001.
gnomAD v4.1: 7 of 1,612,502 alleles (0.00043%); highest among the groups gnomAD compares: African/African-American, 0.0013%; no homozygotes.

Submission:

Ambry Genetics
Classification: Uncertain significance for Cardiovascular phenotype. Last evaluated: 2023-08-04. Review status: criteria provided, single submitter. Criteria: Ambry Variant Classification Scheme 2023. Collection method: clinical testing. Allele origin: germline.
Comment: The c.2333-1G>A intronic variant results from a G to A substitution one nucleotide before coding exon 18 of the LAMA4 gene. This nucleotide position is highly conserved in available vertebrate species. In silico splice site analysis predicts that this alteration will weaken the native splice acceptor site. Alterations that disrupt the canonical splice site are expected to cause aberrant splicing, resulting in an abnormal protein or a transcript that is subject to nonsense-mediated mRNA decay. However, loss of function of LAMA4 has not been established as a mechanism of disease. The evidence for this gene-disease relationship is limited; therefore, the clinical significance of this alteration is unclear.

NM_001105206.3(LAMA4):c.2354-1G>A

Gene: LAMA4 (laminin subunit alpha 4; minus strand). Cytogenetic location: 6q21.
Variant type: single nucleotide variant.
Coding change: c.2354-1G>A on transcript NM_001105206.3 (MANE Select); the canonical splice acceptor site of the intron before coding-DNA position 2354, G replaced by A.
Molecular consequence: splice acceptor variant.
Genome position (GRCh38, 1-based): chr6:112,144,934, C>T on the plus strand (G>A on the coding strand, the complement: LAMA4 is on the minus strand). VCF-style: chr6-112144934-C-T. GRCh37 (hg19) VCF-style: chr6-112466136-C-T.
Other names: c.2333-1G>A (NM_002290.5, NM_001105207.3).
Identifiers: ClinVar variation 2619216 (VCV002619216.2), dbSNP rs1554334187, ClinGen allele CA365383053.
Genomic context (GRCh38, chr6:112,144,934, plus strand): 5'-TCTGCTCAACCGTACGAAGCTGATCCAGGAGCTGAGGGACAACCTCGGTCAGATTTCTTA[C>T]TGCAGTTAATAAAAATTAATCATTTAAGAAAATAACTCAATATTATATTTCAAGAATCAG-3'